The following is an entry in ClinVar:

NM_007294.4(BRCA1):c.3095G>C (p.Arg1032Thr)

Gene: BRCA1 (BRCA1 DNA repair associated; minus strand). Cytogenetic location: 17q21.31.
Variant type: single nucleotide variant.
Coding change: c.3095G>C on transcript NM_007294.4 (MANE Select); coding-DNA position 3095, G replaced by C.
Protein change: p.Arg1032Thr; replaces arginine 1032 with threonine.
Molecular consequence: missense variant. On other transcripts: intron variant (137).
Genome position (GRCh38, 1-based): chr17:43,092,436, C>G on the plus strand (G>C on the coding strand, the complement: BRCA1 is on the minus strand). VCF-style: chr17-43092436-C-G. GRCh37 (hg19) VCF-style: chr17-41244453-C-G.
Other names: c.2882G>C, p.Arg961Thr (NM_001407571.1, NM_001407894.1, NM_001407895.1 and 9 more transcripts); c.3095G>C, p.Arg1032Thr (NM_001407581.1, NM_001407582.1, NM_001407583.1 and 30 more transcripts); c.3092G>C, p.Arg1031Thr (NM_001407587.1, NM_001407590.1, NM_001407591.1 and 22 more transcripts); c.2831G>C, p.Arg944Thr (NM_001407923.1, NM_001407924.1, NM_001407925.1 and 9 more transcripts); c.2828G>C, p.Arg943Thr (NM_001407930.1, NM_001407931.1, NM_001407932.1 and 2 more transcripts); c.2954G>C, p.Arg985Thr (NM_001407942.1, NM_001407944.1, NM_001407945.1 and 29 more transcripts); c.2951G>C, p.Arg984Thr (NM_001407943.1, NM_001407964.1, NM_001407740.1 and 20 more transcripts); c.2762G>C, p.Arg921Thr (NM_001407946.1, NM_001407947.1, NM_001407948.1 and 6 more transcripts); and 41 more; short protein forms R1005T, R1006T, R1029T, R1031T, R1032T, R736T, R864T, R904T.
Identifiers: ClinVar variation 3070012 (VCV003070012.1), dbSNP rs2154342866, ClinGen allele CA10595800.

ClinVar aggregate classification (germline): Uncertain significance (1 of 4 stars; one submission).

Conditions:
Breast-ovarian cancer, familial, susceptibility to, 1 (BROVCA1). Also called: BRCA1 Hereditary Breast and Ovarian Cancer; OVARIAN CANCER, SUSCEPTIBILITY TO. Identifiers: Orphanet 145, MedGen C2676676, MONDO:0011450, OMIM 604370. Disease mechanism: loss of function.

Submission:

All of Us Research Program, National Institutes of Health
Classification: Uncertain significance for Breast-ovarian cancer, familial, susceptibility to, 1. Last evaluated: 2023-03-28. Review status: criteria provided, single submitter. Criteria: ACMG Guidelines, 2015. Collection method: clinical testing. Allele origin: germline. Inheritance: Autosomal dominant inheritance. Observed: 1 variant allele, 1 heterozygote.
Comment: This study involves interpretation of variants in research participants for the purpose of population health screening. Participant phenotype was not available at the time of variant classification. Additional details can be found in publication PMID: 35346344, PMCID: PMC8962531